The following is an entry in ClinVar:

NM_005612.5(REST):c.868A>C (p.Asn290His)

Gene: REST (RE1 silencing transcription factor; plus strand). Cytogenetic location: 4q12.
Variant type: single nucleotide variant.
Coding change: c.868A>C on transcript NM_005612.5 (MANE Select); coding-DNA position 868, A replaced by C.
Protein change: p.Asn290His; replaces asparagine 290 with histidine.
Molecular consequence: missense variant.
Genome position (GRCh38, 1-based): chr4:56,911,506, A>C. VCF-style: chr4-56911506-A-C. GRCh37 (hg19) VCF-style: chr4-57777672-A-C.
Other names: c.868A>C, p.Asn290His (NM_001193508.2, NM_001363453.3); short protein forms N290H.
Identifiers: ClinVar variation 2866423 (VCV002866423.3), dbSNP rs2475801245, ClinGen allele CA357005016.

ClinVar aggregate classification (germline): Uncertain significance (1 of 4 stars; one submission).

Submission:

Labcorp Genetics (formerly Invitae), Labcorp
Classification: Uncertain significance. Last evaluated: 2023-05-25. Review status: criteria provided, single submitter. Criteria: Invitae Variant Classification Sherloc (09022015). Collection method: clinical testing. Allele origin: germline.
Comment: An algorithm developed to predict the effect of missense changes on protein structure and function (PolyPhen-2) suggests that this variant is likely to be disruptive. In summary, the available evidence is currently insufficient to determine the role of this variant in disease. Therefore, it has been classified as a Variant of Uncertain Significance. This sequence change replaces asparagine, which is neutral and polar, with histidine, which is basic and polar, at codon 290 of the REST protein (p.Asn290His). This variant is not present in population databases (gnomAD no frequency). This variant has not been reported in the literature in individuals affected with REST-related conditions.